The following is an entry in ClinVar:

ClinVar aggregate classification (germline): Uncertain significance (1 of 4 stars; one submission).

Conditions:
Bethlem myopathy 1A. Also called: MYOPATHY, BENIGN CONGENITAL, WITH CONTRACTURES; Bethlem Muscular Dystrophy; Bethlem myopathy 1. Identifiers: Orphanet 610, MedGen CN029274, MONDO:0024530, OMIM 158810.

Allele frequency attached by ClinVar (database versions not stated): gnomAD exomes below 0.00001; TOPMed below 0.00001; gnomAD 0.00001.

Submission:

Labcorp Genetics (formerly Invitae), Labcorp
Classification: Uncertain significance for Bethlem myopathy 1A. Last evaluated: 2023-10-11. Review status: criteria provided, single submitter. Criteria: Invitae Variant Classification Sherloc (09022015). Collection method: clinical testing. Allele origin: germline.
Comment: This sequence change replaces valine, which is neutral and non-polar, with alanine, which is neutral and non-polar, at codon 1357 of the COL6A3 protein (p.Val1357Ala). This variant is present in population databases (no rsID available, gnomAD 0.003%). This variant has not been reported in the literature in individuals affected with COL6A3-related conditions. ClinVar contains an entry for this variant (Variation ID: 1362108). Advanced modeling of protein sequence and biophysical properties (such as structural, functional, and spatial information, amino acid conservation, physicochemical variation, residue mobility, and thermodynamic stability) performed at Invitae indicates that this missense variant is not expected to disrupt COL6A3 protein function. In summary, the available evidence is currently insufficient to determine the role of this variant in disease. Therefore, it has been classified as a Variant of Uncertain Significance.

NM_004369.4(COL6A3):c.4070T>C (p.Val1357Ala)

Gene: COL6A3 (collagen type VI alpha 3 chain; minus strand). Cytogenetic location: 2q37.3.
Variant type: single nucleotide variant.
Coding change: c.4070T>C on transcript NM_004369.4 (MANE Select); coding-DNA position 4070, T replaced by C.
Protein change: p.Val1357Ala; replaces valine 1357 with alanine.
Molecular consequence: missense variant.
Genome position (GRCh38, 1-based): chr2:237,371,947, A>G on the plus strand (T>C on the coding strand, the complement: COL6A3 is on the minus strand). VCF-style: chr2-237371947-A-G. GRCh37 (hg19) VCF-style: chr2-238280590-A-G.
Other names: c.2849T>C, p.Val950Ala (NM_057164.5); c.3452T>C, p.Val1151Ala (NM_057165.5, NM_057167.4); c.2249T>C, p.Val750Ala (NM_057166.5); short protein forms V1151A, V1357A, V950A, V750A.
Identifiers: ClinVar variation 1362108 (VCV001362108.10), dbSNP rs1480888719, ClinGen allele CA351197146.